The following is an entry in ClinVar:

ClinVar aggregate classification (germline): Uncertain significance (1 of 4 stars; one submission).

Conditions:
Idiopathic generalized epilepsy. Also called: Generalised epilepsy; EIG. Identifiers: MedGen C0270850, MONDO:0005579, OMIM 600669.
Epilepsy, idiopathic generalized, susceptibility to, 13. Also called: EPILEPSY, JUVENILE MYOCLONIC, SUSCEPTIBILITY TO, 5. Identifiers: Orphanet 307, Orphanet 64280, MedGen C4013473, MONDO:0012627, OMIM 611136.
Epilepsy, childhood absence 4 (ECA4). Also called: EPILEPSY, CHILDHOOD ABSENCE, SUSCEPTIBILITY TO, 4. Identifiers: Orphanet 307, MedGen C1970160.

Submission:

Labcorp Genetics (formerly Invitae), Labcorp
Classification: Uncertain significance for Epilepsy, childhood absence 4; Epilepsy, idiopathic generalized, susceptibility to, 13; Idiopathic generalized epilepsy. Last evaluated: 2019-12-03. Review status: criteria provided, single submitter. Criteria: Invitae Variant Classification Sherloc (09022015). Collection method: clinical testing. Allele origin: germline.
Comment: This variant has not been reported in the literature in individuals with GABRA1-related conditions. In summary, the available evidence is currently insufficient to determine the role of this variant in disease. Therefore, it has been classified as a Variant of Uncertain Significance. Algorithms developed to predict the effect of missense changes on protein structure and function (SIFT, PolyPhen-2, Align-GVGD) all suggest that this variant is likely to be disruptive, but these predictions have not been confirmed by published functional studies and their clinical significance is uncertain. This variant is not present in population databases (ExAC no frequency). This sequence change replaces aspartic acid with tyrosine at codon 90 of the GABRA1 protein (p.Asp90Tyr). The aspartic acid residue is highly conserved and there is a large physicochemical difference between aspartic acid and tyrosine.

NM_001127644.2(GABRA1):c.268G>T (p.Asp90Tyr)

Gene: GABRA1 (gamma-aminobutyric acid type A receptor subunit alpha1; plus strand). Cytogenetic location: 5q34.
Variant type: single nucleotide variant.
Coding change: c.268G>T on transcript NM_001127644.2 (MANE Select); coding-DNA position 268, G replaced by T.
Protein change: p.Asp90Tyr; replaces aspartic acid 90 with tyrosine.
Molecular consequence: missense variant.
Genome position (GRCh38, 1-based): chr5:161,873,129, G>T. VCF-style: chr5-161873129-G-T. GRCh37 (hg19) VCF-style: chr5-161300135-G-T.
Other names: c.268G>T, p.Asp90Tyr (NM_000806.5, NM_001127643.2, NM_001127645.2 and 1 more transcripts); short protein forms D90Y.
Identifiers: ClinVar variation 834116 (VCV000834116.9), dbSNP rs796052488, ClinGen allele CA362178683.